The following is an entry in ClinVar:

ClinVar aggregate classification (germline): Pathogenic (1 of 4 stars; one submission).

Conditions:
Familial cancer of breast. Also called: BREAST CANCER, FAMILIAL; Hereditary breast cancer; hereditary breast carcinoma. Identifiers: Orphanet 227535, MedGen C0346153, MONDO:0016419, OMIM 114480. Disease mechanism: loss of function.

Submission:

Labcorp Genetics (formerly Invitae), Labcorp
Classification: Pathogenic for Familial cancer of breast. Last evaluated: 2024-10-09. Review status: criteria provided, single submitter. Criteria: Invitae Variant Classification Sherloc (09022015). Collection method: clinical testing. Allele origin: germline.
Comment: This sequence change creates a premature translational stop signal (p.Glu107Leufs*20) in the CHEK2 gene. It is expected to result in an absent or disrupted protein product. Loss-of-function variants in CHEK2 are known to be pathogenic (PMID: 21876083, 24713400). This variant is not present in population databases (gnomAD no frequency). This variant has not been reported in the literature in individuals affected with CHEK2-related conditions. For these reasons, this variant has been classified as Pathogenic.

Literature cited by the submitters: PubMed 21876083; PubMed 24713400.

NM_007194.4(CHEK2):c.268_317dup (p.Glu107fs)

Gene: CHEK2 (checkpoint kinase 2; minus strand). Cytogenetic location: 22q12.1.
Variant type: Duplication.
Coding change: c.268_317dup on transcript NM_007194.4 (MANE Select); coding-DNA positions 268 to 317, 50 bases duplicated.
Protein change: p.Glu107fs; shifts the reading frame from glutamic acid 107.
Molecular consequence: frameshift variant.
Genome position (GRCh38, 1-based): chr22:28,734,405-28,734,454, 50 bases duplicated. GRCh37 (hg19): chr22:29,130,393-29,130,442.
Other names: c.268_317dup, p.Glu107Leufs (NM_001005735.3, NM_001349956.3, NM_145862.3); c.-510_-461dup (NM_001257387.3); short protein forms E107fs.
Identifiers: ClinVar variation 3722494 (VCV003722494.2).